The following is an entry in ClinVar:

NM_001080488.2(ONECUT3):c.138G>A (p.Leu46=)

Gene: ONECUT3 (one cut homeobox 3; plus strand). Cytogenetic location: 19p13.3.
Variant type: single nucleotide variant.
Coding change: c.138G>A on transcript NM_001080488.2 (MANE Select); coding-DNA position 138, G replaced by A.
Protein change: p.Leu46=; no amino-acid change (leucine 46 retained).
Molecular consequence: synonymous variant.
Genome position (GRCh38, 1-based): chr19:1,753,800, G>A. VCF-style: chr19-1753800-G-A. GRCh37 (hg19) VCF-style: chr19-1753799-G-A.
Identifiers: ClinVar variation 4873843 (VCV004873843.2).

ClinVar aggregate classification (germline): Likely benign (1 of 4 stars; one submission).

Submission:

CeGaT Center for Human Genetics Tuebingen
Classification: Likely benign. Last evaluated: 2026-05-01. Review status: criteria provided, single submitter. Criteria: CeGaT Center For Human Genetics Tuebingen Variant Classification Criteria Version 2. Collection method: clinical testing. Allele origin: germline. Affected: yes. Observed: 1 variant allele.
Comment: ONECUT3: PM2:Supporting, BP4, BP7